The following is an entry in ClinVar:

ClinVar aggregate classification (germline): Conflicting classifications of pathogenicity. Review status: criteria provided, conflicting classifications (1 of 4 stars). 5 submissions from 5 submitters: Uncertain significance (1); Benign (2); Likely benign (2). Last evaluated 2026-01-18.

Allele frequency attached by ClinVar (database versions not stated): gnomAD exomes 0.00010 and 0.00025; ExAC 0.00031; 1000 Genomes Project 0.00040; 1000 Genomes Project 30x 0.00062; gnomAD 0.00086 and 0.00096; ESP Exome Variant Server 0.00108; TOPMed 0.00113.
gnomAD v4.1: 279 of 1,613,596 alleles (0.017%); highest among the groups gnomAD compares: African/African-American, 0.27%; no homozygotes.

Submissions (5):

Labcorp Genetics (formerly Invitae), Labcorp
Classification: Benign. Last evaluated: 2026-01-18. Review status: criteria provided, single submitter. Criteria: Invitae Variant Classification Sherloc (09022015). Collection method: clinical testing. Allele origin: germline.

Mayo Clinic Laboratories, Mayo Clinic
Classification: Benign. Last evaluated: 2024-10-24. Review status: criteria provided, single submitter. Criteria: ACMG Guidelines, 2015. Collection method: clinical testing. Allele origin: germline. Observed: 1 variant allele.
Comment: BA1, BP4, BP5, BP7

Blueprint Genetics
Classification: Likely benign. Last evaluated: 2024-09-06. Review status: criteria provided, single submitter. Criteria: ACMG Guidelines, 2015. Collection method: clinical testing. Allele origin: germline.

GeneDx
Classification: Likely benign. Last evaluated: 2021-09-07. Review status: criteria provided, single submitter. Criteria: GeneDx Variant Classification Process June 2021. Collection method: clinical testing. Allele origin: germline. Affected: yes.

Eurofins Ntd Llc (ga)
Classification: Uncertain significance. Last evaluated: 2018-06-25. Review status: criteria provided, single submitter. Criteria: EGL ClinVar v180209 classification definitions. Collection method: clinical testing. Allele origin: germline. Observed: 1 variant allele, 1 heterozygote.

NM_001854.4(COL11A1):c.3231G>A (p.Pro1077=)

Gene: COL11A1 (collagen type XI alpha 1 chain; minus strand). Cytogenetic location: 1p21.1.
Variant type: single nucleotide variant.
Coding change: c.3231G>A on transcript NM_001854.4 (MANE Select); coding-DNA position 3231, G replaced by A.
Protein change: p.Pro1077=; no amino-acid change (proline 1077 retained).
Molecular consequence: synonymous variant. On other transcripts: non-coding transcript variant (1).
Genome position (GRCh38, 1-based): chr1:102,946,894, C>T on the plus strand (G>A on the coding strand, the complement: COL11A1 is on the minus strand). VCF-style: chr1-102946894-C-T. GRCh37 (hg19) VCF-style: chr1-103412450-C-T.
Other names: p.Pro1077=; c.3114G>A, p.Pro1038= (NM_001190709.2); c.3267G>A, p.Pro1089= (NM_080629.3); c.2883G>A, p.Pro961= (NM_080630.4).
Identifiers: ClinVar variation 597522 (VCV000597522.18), dbSNP rs147247206, ClinGen allele CA974090.